The following is an entry in ClinVar:

ClinVar aggregate classification (germline): Likely benign (0 of 4 stars; one submission).

Conditions:
ICAM4-related disorder. Also called: ICAM4-related condition.

Allele frequency attached by ClinVar (database versions not stated): ExAC 0.00145; gnomAD 0.00466; ESP Exome Variant Server 0.00538; 1000 Genomes Project 0.00579; 1000 Genomes Project 30x 0.00671.

Submission:

PreventionGenetics, part of Exact Sciences
Classification: Likely benign for ICAM4-related condition. Last evaluated: 2021-02-08. Review status: no assertion criteria provided. Collection method: clinical testing. Allele origin: germline.
Comment: This variant is classified as likely benign based on ACMG/AMP sequence variant interpretation guidelines (Richards et al. 2015 PMID: 25741868, with internal and published modifications).

NM_001544.5(ICAM4):c.622G>C (p.Val208Leu)

Genes: ICAM4 (intercellular adhesion molecule 4 (Landsteiner-Wiener blood group); plus strand), ICAM4-AS1 (ICAM4 antisense RNA 1; minus strand). Cytogenetic location: 19p13.2.
Variant type: single nucleotide variant.
Coding change: c.622G>C on transcript NM_001544.5 (MANE Select); coding-DNA position 622, G replaced by C.
Protein change: p.Val208Leu; replaces valine 208 with leucine.
Molecular consequence: missense variant. On other transcripts: non-coding transcript variant (1).
Genome position (GRCh38, 1-based): chr19:10,287,763, G>C. VCF-style: chr19-10287763-G-C. GRCh37 (hg19) VCF-style: chr19-10398439-G-C.
Other names: c.545G>C, p.Arg182Pro (NM_001039132.3); short protein forms R182P, V208L.
Identifiers: ClinVar variation 3037227 (VCV003037227.2), dbSNP rs36023325, ClinGen allele CA9190320.